The following is an entry in ClinVar:

NM_181672.3(OGT):c.2115T>G (p.Ile705Met)

Gene: OGT (O-linked N-acetylglucosamine (GlcNAc) transferase; plus strand). Cytogenetic location: Xq13.1.
Variant type: single nucleotide variant.
Coding change: c.2115T>G on transcript NM_181672.3 (MANE Select); coding-DNA position 2115, T replaced by G.
Protein change: p.Ile705Met; replaces isoleucine 705 with methionine.
Molecular consequence: missense variant.
Genome position (GRCh38, 1-based): chrX:71,562,984, T>G. VCF-style: chrX-71562984-T-G. GRCh37 (hg19) VCF-style: chrX-70782834-T-G.
Other names: c.2085T>G, p.Ile695Met (NM_181673.3); short protein forms I695M, I705M.
Identifiers: ClinVar variation 3776604 (VCV003776604.1).

ClinVar aggregate classification (germline): Uncertain significance (1 of 4 stars; one submission).

Submission:

GeneDx
Classification: Uncertain significance. Last evaluated: 2024-10-03. Review status: criteria provided, single submitter. Criteria: GeneDx Variant Classification Process June 2021. Collection method: clinical testing. Allele origin: germline. Affected: yes.
Comment: Not observed at significant frequency in large population cohorts (gnomAD); In silico analysis indicates that this missense variant does not alter protein structure/function; Has not been previously published as pathogenic or benign to our knowledge